The following is an entry in ClinVar:

ClinVar aggregate classification (germline): Likely benign (1 of 4 stars; one submission).

Conditions:
LRRC45-related disorder. Also called: LRRC45-related condition.

gnomAD v4.1: 4 of 1,592,056 alleles (0.00025%); highest among the groups gnomAD compares: Non-Finnish European, 0.00026%; no homozygotes.

Submission:

PreventionGenetics, part of Exact Sciences
Classification: Likely benign for LRRC45-related condition. Last evaluated: 2025-11-05. Review status: criteria provided, single submitter. Criteria: ACMG Guidelines, 2015. Collection method: clinical testing. Allele origin: germline.
Comment: This variant is classified as likely benign based on ACMG/AMP sequence variant interpretation guidelines (Richards et al. 2015 PMID: 25741868, with internal and published modifications).

NM_144999.4(LRRC45):c.912-10C>T

Gene: LRRC45 (leucine rich repeat containing 45; plus strand). Cytogenetic location: 17q25.3.
Variant type: single nucleotide variant.
Coding change: c.912-10C>T on transcript NM_144999.4 (MANE Select); 10 bases into the intron before coding-DNA position 912, C replaced by T.
Molecular consequence: intron variant.
Genome position (GRCh38, 1-based): chr17:82,028,001, C>T. VCF-style: chr17-82028001-C-T. GRCh37 (hg19) VCF-style: chr17-79985877-C-T.
Identifiers: ClinVar variation 4977046 (VCV004977046.1).
Genomic context (GRCh38, chr17:82,028,001, plus strand): 5'-AAGCAGCGAGGCCTTTATAAGGCAAGTGAAACTCCAACCGGGGCGGGGGTGCTGCCCCTC[C>T]TTTCTGCAGGCTGCAGATGACAGAGGCCGCCCTGGCTCTGTCGGAGCAGAAGGCCCAGGA-3'